The following is an entry in ClinVar:

NM_003119.4(SPG7):c.1219A>C (p.Ile407Leu)

Gene: SPG7 (SPG7 matrix AAA peptidase subunit, paraplegin; plus strand). Cytogenetic location: 16q24.3.
Variant type: single nucleotide variant.
Coding change: c.1219A>C on transcript NM_003119.4 (MANE Select); coding-DNA position 1219, A replaced by C.
Protein change: p.Ile407Leu; replaces isoleucine 407 with leucine.
Molecular consequence: missense variant.
Genome position (GRCh38, 1-based): chr16:89,532,531, A>C. VCF-style: chr16-89532531-A-C. GRCh37 (hg19) VCF-style: chr16-89598939-A-C.
Other names: c.1219A>C, p.Ile407Leu (NM_001363850.1, NM_199367.3); short protein forms I407L.
Identifiers: ClinVar variation 2878281 (VCV002878281.3), dbSNP rs139103036, ClinGen allele CA397420863.

ClinVar aggregate classification (germline): Uncertain significance (1 of 4 stars; one submission).

Conditions:
Hereditary spastic paraplegia 7 (SPG7). Also called: SPG7-related neurologic disorder; Spastic paraplegia 7; Hereditary spastic paraplegia Paraplegin type; Autosomal recessive spastic paraplegia type 7; SPASTIC PARAPLEGIA 7, AUTOSOMAL RECESSIVE, WITH OR WITHOUT CEREBELLAR ATAXIA. Identifiers: Orphanet 99013, MedGen C1846564, MONDO:0011803, OMIM 607259.

Submission:

Labcorp Genetics (formerly Invitae), Labcorp
Classification: Uncertain significance for Hereditary spastic paraplegia 7. Last evaluated: 2023-05-25. Review status: criteria provided, single submitter. Criteria: Invitae Variant Classification Sherloc (09022015). Collection method: clinical testing. Allele origin: germline.
Comment: This variant is not present in population databases (gnomAD no frequency). In summary, the available evidence is currently insufficient to determine the role of this variant in disease. Therefore, it has been classified as a Variant of Uncertain Significance. Advanced modeling of protein sequence and biophysical properties (such as structural, functional, and spatial information, amino acid conservation, physicochemical variation, residue mobility, and thermodynamic stability) performed at Invitae indicates that this missense variant is not expected to disrupt SPG7 protein function. This variant has not been reported in the literature in individuals affected with SPG7-related conditions. This sequence change replaces isoleucine, which is neutral and non-polar, with leucine, which is neutral and non-polar, at codon 407 of the SPG7 protein (p.Ile407Leu).